The following is an entry in ClinVar:

ClinVar aggregate classification (germline): Likely benign. Review status: criteria provided, multiple submitters, no conflicts (2 of 4 stars). 4 submissions from 4 submitters: Likely benign (4). Last evaluated 2026-01-20.

Conditions:
Wilson disease (WND). Also called: Wilson's disease. Identifiers: Orphanet 905, MedGen C0019202, MONDO:0010200, OMIM 277900. Disease mechanism: loss of function.

Allele frequency attached by ClinVar (database versions not stated): gnomAD exomes 0.00001 and 0.00002; ExAC 0.00002.
gnomAD v4.1: 9 of 1,613,948 alleles (0.00056%); highest among the groups gnomAD compares: East Asian, 0.02%; no homozygotes.

Submissions (4):

Labcorp Genetics (formerly Invitae), Labcorp
Classification: Likely benign for Wilson disease. Last evaluated: 2026-01-20. Review status: criteria provided, single submitter. Criteria: Invitae Variant Classification Sherloc (09022015). Collection method: clinical testing. Allele origin: germline.

All of Us Research Program, National Institutes of Health
Classification: Likely benign for Wilson disease. Last evaluated: 2024-03-14. Review status: criteria provided, single submitter. Criteria: ACMG Guidelines, 2015. Collection method: clinical testing. Allele origin: germline. Inheritance: Autosomal recessive inheritance. Observed: 1 variant allele, 1 heterozygote.
Comment: This study involves interpretation of variants in research participants for the purpose of population health screening. Participant phenotype was not available at the time of variant classification. Additional details can be found in publication PMID: 35346344, PMCID: PMC8962531

Color Diagnostics, LLC DBA Color Health
Classification: Likely benign for Wilson disease. Last evaluated: 2024-02-20. Review status: criteria provided, single submitter. Criteria: ACMG Guidelines, 2015. Collection method: clinical testing. Allele origin: germline.

ARUP Laboratories, Molecular Genetics and Genomics, ARUP Laboratories
Classification: Likely benign for Wilson disease. Last evaluated: 2021-03-16. Review status: criteria provided, single submitter. Criteria: ARUP Molecular Germline Variant Investigation Process 2021. Collection method: clinical testing. Allele origin: germline.

NM_000053.4(ATP7B):c.1896C>A (p.Ala632=)

Gene: ATP7B (ATPase copper transporting beta; minus strand). Cytogenetic location: 13q14.3.
Variant type: single nucleotide variant.
Coding change: c.1896C>A on transcript NM_000053.4 (MANE Select); coding-DNA position 1896, C replaced by A.
Protein change: p.Ala632=; no amino-acid change (alanine 632 retained).
Molecular consequence: synonymous variant. On other transcripts: intron variant (2).
Genome position (GRCh38, 1-based): chr13:51,961,887, G>T on the plus strand (C>A on the coding strand, the complement: ATP7B is on the minus strand). VCF-style: chr13-51961887-G-T. GRCh37 (hg19) VCF-style: chr13-52536023-G-T.
Other names: c.1563C>A, p.Ala521= (NM_001243182.2); c.1896C>A, p.Ala632= (NM_001330578.2); c.1869+2985C>A (NM_001005918.3, NM_001330579.2).
Identifiers: ClinVar variation 1124922 (VCV001124922.16), dbSNP rs752696791, ClinGen allele CA6989180.